The following is an entry in ClinVar:

NM_001128.6(AP1G1):c.1233del (p.Lys410_Tyr411insTer)

Gene: AP1G1 (adaptor related protein complex 1 subunit gamma 1; minus strand). Cytogenetic location: 16q22.2.
Variant type: Deletion.
Coding change: c.1233del on transcript NM_001128.6 (MANE Select); coding-DNA position 1233, one base deleted (T; older notation c.1233delT).
Protein change: p.Lys410_Tyr411insTer.
Molecular consequence: nonsense.
Genome position (GRCh38, 1-based): chr16:71,753,884, A deleted on the plus strand (T on the coding strand, the reverse complement: AP1G1 is on the minus strand). VCF-style (leftmost placement, unchanged base first): chr16-71753883-CA-C. GRCh37 (hg19) VCF-style: chr16-71787786-CA-C.
Other names: c.1242del, p.Lys413_Tyr414insTer (NM_001030007.2).
Identifiers: ClinVar variation 3600748 (VCV003600748.1).

ClinVar aggregate classification (germline): Uncertain significance (1 of 4 stars; one submission).

Submission:

GeneDx
Classification: Uncertain significance. Last evaluated: 2024-07-24. Review status: criteria provided, single submitter. Criteria: GeneDx Variant Classification Process June 2021. Collection method: clinical testing. Allele origin: germline. Affected: yes.
Comment: Not observed at significant frequency in large population cohorts (gnomAD); Nonsense variant predicted to result in protein truncation or nonsense mediated decay in a gene or region of a gene for which loss of function is not a well-established mechanism of disease; Has not been previously published as pathogenic or benign to our knowledge